The following is an entry in ClinVar:

ClinVar aggregate classification (germline): Uncertain significance (1 of 4 stars; one submission).

Allele frequency attached by ClinVar (database versions not stated): gnomAD 0.00001; gnomAD exomes 0.00001.
gnomAD v4.1: 5 of 1,606,912 alleles (0.00031%); highest among the groups gnomAD compares: East Asian, 0.0022%; no homozygotes.

Submission:

Labcorp Genetics (formerly Invitae), Labcorp
Classification: Uncertain significance. Last evaluated: 2025-06-12. Review status: criteria provided, single submitter. Criteria: Invitae Variant Classification Sherloc (09022015). Collection method: clinical testing. Allele origin: germline.
Comment: This sequence change replaces glycine, which is neutral and non-polar, with serine, which is neutral and polar, at codon 596 of the CRB2 protein (p.Gly596Ser). This variant is present in population databases (no rsID available, gnomAD 0.003%). This variant has not been reported in the literature in individuals affected with CRB2-related conditions. ClinVar contains an entry for this variant (Variation ID: 1363001). Invitae Evidence Modeling of protein sequence and biophysical properties (such as structural, functional, and spatial information, amino acid conservation, physicochemical variation, residue mobility, and thermodynamic stability) indicates that this missense variant is not expected to disrupt CRB2 protein function with a negative predictive value of 80%. In summary, the available evidence is currently insufficient to determine the role of this variant in disease. Therefore, it has been classified as a Variant of Uncertain Significance.

NM_173689.7(CRB2):c.1786G>A (p.Gly596Ser)

Gene: CRB2 (crumbs cell polarity complex component 2; plus strand). Cytogenetic location: 9q33.3.
Variant type: single nucleotide variant.
Coding change: c.1786G>A on transcript NM_173689.7 (MANE Select); coding-DNA position 1786, G replaced by A.
Protein change: p.Gly596Ser; replaces glycine 596 with serine.
Molecular consequence: missense variant. On other transcripts: non-coding transcript variant (1).
Genome position (GRCh38, 1-based): chr9:123,370,839, G>A. VCF-style: chr9-123370839-G-A. GRCh37 (hg19) VCF-style: chr9-126133118-G-A.
Other names: short protein forms G596S.
Identifiers: ClinVar variation 1363001 (VCV001363001.4), dbSNP rs1218300959, ClinGen allele CA374864046.